The following is an entry in ClinVar:

NM_001127222.2(CACNA1A):c.2850_2859del (p.Ala951fs)

Gene: CACNA1A (calcium voltage-gated channel subunit alpha1 A; minus strand). Cytogenetic location: 19p13.13.
Variant type: Deletion.
Coding change: c.2850_2859del on transcript NM_001127222.2 (MANE Select); coding-DNA positions 2850 to 2859, 10 bases deleted (CGCGGACGGG; older notation c.2850_2859delCGCGGACGGG).
Protein change: p.Ala951fs; shifts the reading frame from alanine 951.
Molecular consequence: frameshift variant.
Genome position (GRCh38, 1-based): chr19:13,298,774-13,298,783, CCCGTCCGCG deleted on the plus strand (CGCGGACGGG on the coding strand, the reverse complement: CACNA1A is on the minus strand); deleting any 10 consecutive bases within chr19:13,298,774-13,298,788 gives the same sequence; the c. name uses the placement nearest the transcript's 3' end. VCF-style (leftmost placement, unchanged base first): chr19-13298773-CCCCGTCCGCG-C. GRCh37 (hg19) VCF-style: chr19-13409587-CCCCGTCCGCG-C.
Other names: c.2862_2871del, p.Ala955fs (NM_000068.4, NM_023035.3); c.2853_2862del, p.Ala952fs (NM_001127221.2, NM_001174080.2); short protein forms A951fs, A952fs, A955fs.
Identifiers: ClinVar variation 3347036 (VCV003347036.2).

ClinVar aggregate classification (germline): Pathogenic. Review status: criteria provided, single submitter (1 of 4 stars). 2 submissions from 2 submitters: Pathogenic (1). 1 of the submissions does not count toward it. Last evaluated 2020-07-27.

Conditions:
CACNA1A-related disorder. Also called: CACNA1A-related condition.
Intellectual disability. Also called: Intellectual functioning disability; intellectual disabilities; Intellectual developmental disorder. Identifiers: MedGen C3714756, MeSH D008607, MONDO:0001071, HP:0001249.

Submissions (2):

Cambridge Genomics Laboratory, East Genomic Laboratory Hub, NHS Genomic Medicine Service
Classification: Pathogenic for Intellectual disability. Last evaluated: 2020-07-27. Review status: criteria provided, single submitter. Criteria: ACGS Best Practice Guidelines for Variant Classification in Rare Disease 2020. Collection method: clinical testing. Allele origin: germline. Affected: yes. Observed: 1 variant allele.

PreventionGenetics, part of Exact Sciences
Classification: Pathogenic for CACNA1A-related condition. Last evaluated: 2024-09-20. Review status: no assertion criteria provided. Collection method: clinical testing. Allele origin: germline. Not counted in ClinVar's aggregate classification.
Comment: The CACNA1A c.2850_2859del10 variant is predicted to result in a frameshift and premature protein termination (p.Ala951Serfs*115). To our knowledge, this variant has not been reported in the literature; however, another variant leading to the same frameshift (c.2852_2861del10) has been reported in multiple related individuals with episodic ataxia type 2 (Mantuano et al. 2010. PubMed ID: 20129625). This variant has not been reported in a large population database, indicating it is rare. Frameshift variants in CACNA1A are expected to be pathogenic. This variant is interpreted as pathogenic.